The following is an entry in ClinVar:

NM_152564.5(VPS13B):c.505C>T (p.Leu169Phe)

Gene: VPS13B (vacuolar protein sorting 13 homolog B; plus strand). Cytogenetic location: 8q22.2.
Variant type: single nucleotide variant.
Coding change: c.505C>T on transcript NM_152564.5 (MANE Select); coding-DNA position 505, C replaced by T.
Protein change: p.Leu169Phe; replaces leucine 169 with phenylalanine.
Molecular consequence: missense variant. On other transcripts: non-coding transcript variant (1).
Genome position (GRCh38, 1-based): chr8:99,103,045, C>T. VCF-style: chr8-99103045-C-T. GRCh37 (hg19) VCF-style: chr8-100115273-C-T.
Other names: c.505C>T, p.Leu169Phe (NM_015243.3, NM_017890.5, NM_181661.3); short protein forms L169F.
Identifiers: ClinVar variation 1424013 (VCV001424013.5), dbSNP rs376498106, ClinGen allele CA371859409.
Genomic context (GRCh38, chr8:99,103,045, plus strand): 5'-AATAATGTAAACATTGTGATAAATAATCTCATACTAAAATATGTTGAAGATGATATCGTC[C>T]TTTCCGTCAATATCACTTCTGCAGAATGTTATACAGTAGGTGAATTATGGGATCGTGCAT-3'
Protein context (NP_689777.3, residues 159-179): ILKYVEDDIV[Leu169Phe]SVNITSAECY

ClinVar aggregate classification (germline): Uncertain significance (1 of 4 stars; one submission).

Conditions:
Cohen syndrome (COH1). Also called: Cutis verticis gyrata, retinitis pigmentosa, and sensorineural deafness; PEPPER SYNDROME. Identifiers: Orphanet 193, MedGen C0265223, MONDO:0008999, OMIM 216550.

Submission:

Labcorp Genetics (formerly Invitae), Labcorp
Classification: Uncertain significance for Cohen syndrome. Last evaluated: 2021-12-02. Review status: criteria provided, single submitter. Criteria: Invitae Variant Classification Sherloc (09022015). Collection method: clinical testing. Allele origin: germline.
Comment: This sequence change replaces leucine, which is neutral and non-polar, with phenylalanine, which is neutral and non-polar, at codon 169 of the VPS13B protein (p.Leu169Phe). This variant is not present in population databases (gnomAD no frequency). This variant has not been reported in the literature in individuals affected with VPS13B-related conditions. Algorithms developed to predict the effect of missense changes on protein structure and function are either unavailable or do not agree on the potential impact of this missense change (SIFT: "Not Available"; PolyPhen-2: "Possibly Damaging"; Align-GVGD: "Not Available"). In summary, the available evidence is currently insufficient to determine the role of this variant in disease. Therefore, it has been classified as a Variant of Uncertain Significance.